The following is an entry in ClinVar:

NM_001457.4(FLNB):c.2745+4G>A

Gene: FLNB (filamin B; plus strand). Cytogenetic location: 3p14.3.
Variant type: single nucleotide variant.
Coding change: c.2745+4G>A on transcript NM_001457.4 (MANE Select); 4 bases into the intron after coding-DNA position 2745, G replaced by A.
Molecular consequence: intron variant.
Genome position (GRCh38, 1-based): chr3:58,112,322, G>A. VCF-style: chr3-58112322-G-A. GRCh37 (hg19) VCF-style: chr3-58098049-G-A.
Other names: c.2745+4G>A (NM_001164317.2, NM_001164318.2, NM_001164319.2).
Identifiers: ClinVar variation 3630308 (VCV003630308.2).

ClinVar aggregate classification (germline): Uncertain significance (1 of 4 stars; one submission).

gnomAD v4.1: 57 of 1,613,036 alleles (0.0035%); highest among the groups gnomAD compares: Non-Finnish European, 0.0047%; no homozygotes.

Submission:

Labcorp Genetics (formerly Invitae), Labcorp
Classification: Uncertain significance. Last evaluated: 2024-03-27. Review status: criteria provided, single submitter. Criteria: Invitae Variant Classification Sherloc (09022015). Collection method: clinical testing. Allele origin: germline.
Comment: This sequence change falls in intron 18 of the FLNB gene. It does not directly change the encoded amino acid sequence of the FLNB protein. It affects a nucleotide within the consensus splice site. This variant is present in population databases (no rsID available, gnomAD 0.0009%). This variant has not been reported in the literature in individuals affected with FLNB-related conditions. Variants that disrupt the consensus splice site are a relatively common cause of aberrant splicing (PMID: 17576681, 9536098). Algorithms developed to predict the effect of sequence changes on RNA splicing suggest that this variant is not likely to affect RNA splicing. In summary, the available evidence is currently insufficient to determine the role of this variant in disease. Therefore, it has been classified as a Variant of Uncertain Significance.

Literature cited by the submitters: PubMed 17576681; PubMed 9536098.